The following is an entry in ClinVar:

NM_006329.4(FBLN5):c.72+26T>A

Gene: FBLN5 (fibulin 5; minus strand). Cytogenetic location: 14q32.12.
Variant type: single nucleotide variant.
Coding change: c.72+26T>A on transcript NM_006329.4 (MANE Select); 26 bases into the intron after coding-DNA position 72, T replaced by A.
Molecular consequence: intron variant.
Genome position (GRCh38, 1-based): chr14:91,942,881, A>T on the plus strand (T>A on the coding strand, the complement: FBLN5 is on the minus strand). VCF-style: chr14-91942881-A-T. GRCh37 (hg19) VCF-style: chr14-92409225-A-T.
Other names: c.72+26T>A (NM_001384160.1, NM_001384158.1); c.-198+26T>A (NM_001384162.1, NM_001384161.1); c.123+26T>A (NM_001384159.1).
Identifiers: ClinVar variation 679624 (VCV000679624.2), dbSNP rs113167395, ClinGen allele CA7312973.

ClinVar aggregate classification (germline): Benign. Review status: criteria provided, multiple submitters, no conflicts (2 of 4 stars). 2 submissions from 2 submitters: Benign (2). Last evaluated 2018-06-14.

Allele frequency attached by ClinVar (database versions not stated): gnomAD exomes 0.00213 and 0.00505; ExAC 0.01074; gnomAD 0.01529 and 0.01619; ESP Exome Variant Server 0.01580; TOPMed 0.01694; 1000 Genomes Project 0.01737; 1000 Genomes Project 30x 0.01811.
gnomAD v4.1: 5,205 of 1,443,878 alleles (0.36%); highest among the groups gnomAD compares: African/African-American, 5.4%; 117 homozygotes.

Submissions (2):

GeneDx
Classification: Benign. Last evaluated: 2018-06-14. Review status: criteria provided, single submitter. Criteria: GeneDx Variant Classification (06012015). Collection method: clinical testing. Allele origin: germline. Affected: yes.
Comment: This variant is considered likely benign or benign based on one or more of the following criteria: it is a conservative change, it occurs at a poorly conserved position in the protein, it is predicted to be benign by multiple in silico algorithms, and/or has population frequency not consistent with disease.

Breakthrough Genomics
Classification: Benign. Review status: criteria provided, single submitter. Criteria: ACMG Guidelines, 2015. Collection method: not provided. Allele origin: germline. Inheritance: Autosomal recessive inheritance. Affected: yes.